The following is an entry in ClinVar:

NM_000016.6(ACADM):c.31-2A>G

Gene: ACADM (acyl-CoA dehydrogenase medium chain; plus strand). Cytogenetic location: 1p31.1.
Variant type: single nucleotide variant.
Coding change: c.31-2A>G on transcript NM_000016.6 (MANE Select); the canonical splice acceptor site of the intron before coding-DNA position 31, A replaced by G.
Molecular consequence: splice acceptor variant. On other transcripts: missense variant (1), intron variant (2).
Genome position (GRCh38, 1-based): chr1:75,728,399, A>G. VCF-style: chr1-75728399-A-G. GRCh37 (hg19) VCF-style: chr1-76194084-A-G.
Other names: c.31-2A>G (NM_000016.5, NM_001286043.2); c.41A>G, p.Gln14Arg (NM_001127328.3); c.10+3582A>G (NM_001286042.2); c.-268+3582A>G (NM_001286044.2); short protein forms Q14R.
Identifiers: ClinVar variation 1347938 (VCV001347938.9), dbSNP rs766727876, ClinGen allele CA912930.

ClinVar aggregate classification (germline): Likely pathogenic. Review status: criteria provided, multiple submitters, no conflicts (2 of 4 stars). 3 submissions from 3 submitters: Likely pathogenic (3). Last evaluated 2025-10-27.

Conditions:
Medium-chain acyl-coenzyme A dehydrogenase deficiency (ACADMD). Also called: MCADD; Medium chain acyl-CoA dehydrogenase deficiency; ACADM DEFICIENCY; MCAD Deficiency; MCADH DEFICIENCY; CARNITINE DEFICIENCY SECONDARY TO MEDIUM-CHAIN ACYL-CoA DEHYDROGENASE DEFICIENCY. Identifiers: Orphanet 42, MedGen C0220710, MONDO:0008721, OMIM 201450.

Allele frequency attached by ClinVar (database versions not stated): gnomAD exomes below 0.00001; ExAC 0.00001.
gnomAD v4.1: 2 of 1,609,948 alleles (0.00012%); highest among the groups gnomAD compares: Non-Finnish European, 0.00017%; no homozygotes.

Submissions (3):

Labcorp Genetics (formerly Invitae), Labcorp
Classification: Likely pathogenic for Medium-chain acyl-coenzyme A dehydrogenase deficiency. Last evaluated: 2025-10-27. Review status: criteria provided, single submitter. Criteria: Invitae Variant Classification Sherloc (09022015). Collection method: clinical testing. Allele origin: germline.
Comment: This sequence change affects an acceptor splice site in intron 1 of the ACADM gene. It is expected to disrupt RNA splicing. Variants that disrupt the donor or acceptor splice site typically lead to a loss of protein function (PMID: 16199547), and loss-of-function variants in ACADM are known to be pathogenic (PMID: 16121256, 20434380). The frequency data for this variant in the population databases is considered unreliable, as metrics indicate poor data quality at this position in the gnomAD database. This variant has not been reported in the literature in individuals affected with ACADM-related conditions. ClinVar contains an entry for this variant (Variation ID: 1347938). Algorithms developed to predict the effect of sequence changes on RNA splicing suggest that this variant may disrupt the consensus splice site. In summary, the currently available evidence indicates that the variant is pathogenic, but additional data are needed to prove that conclusively. Therefore, this variant has been classified as Likely Pathogenic.

Natera, Inc.
Classification: Likely pathogenic for Medium Chain Acyl-CoA Dehydrogenase Deficiency. Last evaluated: 2025-03-20. Review status: criteria provided, single submitter. Criteria: Natera Variant Classification Schema (03/2026). Collection method: clinical testing. Allele origin: germline.
Comment: The c.31-2A>G variant in ACADM is a canonical splice acceptor site variant predicted to affect pre-mRNA splicing, which may result in an abnormal transcript and altered protein product. This variant is expected to result in nonsense mediated decay, truncation, or a dysfunctional protein product. This variant is rare in the general population with a frequency below the threshold expected for the associated phenotype(s). Given the available evidence, this variant is classified as Likely Pathogenic.

Baylor Genetics
Classification: Likely pathogenic for Medium-chain acyl-coenzyme A dehydrogenase deficiency. Last evaluated: 2024-03-01. Review status: criteria provided, single submitter. Criteria: ACMG Guidelines, 2015. Collection method: clinical testing. Allele origin: unknown.

Literature cited by the submitters: PubMed 16199547 (cited by Labcorp Genetics (formerly Invitae), Labcorp); PubMed 16121256 (cited by Labcorp Genetics (formerly Invitae), Labcorp); PubMed 20434380 (cited by Labcorp Genetics (formerly Invitae), Labcorp).